The following is an entry in ClinVar:

ClinVar aggregate classification (germline): Pathogenic (1 of 4 stars; one submission).

Submission:

GeneDx
Classification: Pathogenic. Last evaluated: 2016-05-05. Review status: criteria provided, single submitter. Criteria: GeneDx Variant Classification (06012015). Collection method: clinical testing. Allele origin: germline. Affected: yes.
Comment: The c.291_292delAT pathogenic variant in the ATP2A2 gene causes a frameshift starting with codon Leucine 98, changes this amino acid to a Serine residue and creates a premature Stop codon at position 15 of the new reading frame, denoted p.Leu98SerfsX15. This pathogenic variant is predicted to cause loss of normal protein function either through protein truncation or nonsense-mediated mRNA decay. In addition, c.291_292delAT was not observed in approximately 6,500 individuals of European and African American ancestry in the NHLBI Exome Sequencing Project, indicating it is not a common benign variant in these populations.

NM_170665.4(ATP2A2):c.291_292del (p.Leu98fs)

Gene: ATP2A2 (ATPase sarcoplasmic/endoplasmic reticulum Ca2+ transporting 2; plus strand). Cytogenetic location: 12q24.11.
Variant type: Microsatellite.
Coding change: c.291_292del on transcript NM_170665.4 (MANE Select); coding-DNA positions 291 to 292, 2 bases deleted (AT; older notation c.291_292delAT).
Protein change: p.Leu98fs; shifts the reading frame from leucine 98.
Molecular consequence: frameshift variant.
Genome position (GRCh38, 1-based): chr12:110,292,091-110,292,092, AT deleted; deleting any 2 consecutive bases within chr12:110,292,089-110,292,092 gives the same sequence; the c. name uses the placement nearest the transcript's 3' end. VCF-style (leftmost placement, unchanged base first): chr12-110292088-CAT-C. GRCh37 (hg19) VCF-style: chr12-110729893-CAT-C.
Other names: c.291_292del, p.Leu98fs (NM_001681.4); short protein forms L98fs.
Identifiers: ClinVar variation 280566 (VCV000280566.2), dbSNP rs886041748, ClinGen allele CA10603176.